The following is an entry in ClinVar:

NM_006231.4(POLE):c.1790A>G (p.Glu597Gly)

Gene: POLE (DNA polymerase epsilon, catalytic subunit; minus strand). Cytogenetic location: 12q24.33.
Variant type: single nucleotide variant.
Coding change: c.1790A>G on transcript NM_006231.4 (MANE Select); coding-DNA position 1790, A replaced by G.
Protein change: p.Glu597Gly; replaces glutamic acid 597 with glycine.
Molecular consequence: missense variant.
Genome position (GRCh38, 1-based): chr12:132,672,219, T>C on the plus strand (A>G on the coding strand, the complement: POLE is on the minus strand). VCF-style: chr12-132672219-T-C. GRCh37 (hg19) VCF-style: chr12-133248805-T-C.
Other names: short protein forms E597G.
Identifiers: ClinVar variation 862985 (VCV000862985.10), dbSNP rs762602865, ClinGen allele CA6893834.

ClinVar aggregate classification (germline): Conflicting classifications of pathogenicity. Review status: criteria provided, conflicting classifications (1 of 4 stars). 2 submissions from 2 submitters: Uncertain significance (1); Likely benign (1). Last evaluated 2026-01-04.

Conditions:
Hereditary cancer-predisposing syndrome. Also called: Hereditary Cancer Syndrome; Tumor predisposition; Neoplastic Syndromes, Hereditary; Hereditary neoplastic syndrome. Identifiers: Orphanet 140162, MedGen C0027672, MeSH D009386, MONDO:0015356.

Allele frequency attached by ClinVar (database versions not stated): gnomAD exomes below 0.00001; ExAC 0.00001.
gnomAD v4.1: 4 of 1,612,494 alleles (0.00025%); highest among the groups gnomAD compares: Admixed American, 0.0017%; no homozygotes.

Submissions (2):

Labcorp Genetics (formerly Invitae), Labcorp
Classification: Uncertain significance. Last evaluated: 2026-01-04. Review status: criteria provided, single submitter. Criteria: Invitae Variant Classification Sherloc (09022015). Collection method: clinical testing. Allele origin: germline.
Comment: This sequence change replaces glutamic acid, which is acidic and polar, with glycine, which is neutral and non-polar, at codon 597 of the POLE protein (p.Glu597Gly). This variant is present in population databases (rs762602865, gnomAD 0.0009%). This variant has not been reported in the literature in individuals affected with POLE-related conditions. ClinVar contains an entry for this variant (Variation ID: 862985). Invitae Evidence Modeling of protein sequence and biophysical properties (such as structural, functional, and spatial information, amino acid conservation, physicochemical variation, residue mobility, and thermodynamic stability) indicates that this missense variant is not expected to disrupt POLE protein function with a negative predictive value of 80%. In summary, the available evidence is currently insufficient to determine the role of this variant in disease. Therefore, it has been classified as a Variant of Uncertain Significance.

Ambry Genetics
Classification: Likely benign for Hereditary cancer-predisposing syndrome. Last evaluated: 2024-12-23. Review status: criteria provided, single submitter. Criteria: Ambry Variant Classification Scheme 2023. Collection method: clinical testing. Allele origin: germline.